The following is an entry in ClinVar:

NM_178844.4(NLRC3):c.1928+186T>C

Gene: NLRC3 (NLR family CARD domain containing 3; minus strand). Cytogenetic location: 16p13.3.
Variant type: single nucleotide variant.
Coding change: c.1928+186T>C on transcript NM_178844.4 (MANE Select); 186 bases into the intron after coding-DNA position 1928, T replaced by C.
Molecular consequence: intron variant.
Genome position (GRCh38, 1-based): chr16:3,562,823, A>G on the plus strand (T>C on the coding strand, the complement: NLRC3 is on the minus strand). VCF-style: chr16-3562823-A-G. GRCh37 (hg19) VCF-style: chr16-3612824-A-G.
Identifiers: ClinVar variation 103362 (VCV000103362.2), dbSNP rs199476278, ClinGen allele CA230475.
Genomic context (GRCh38, chr16:3,562,823, plus strand): 5'-GAGGAAGGAAAGAACCTCTCCTATATGTTTCAGAGAGCGCATGGCCCTCCTGGCACCTTG[A>G]TTTGAGACTTCTGGCCTCCAGAACTGCGAGAAAACACACTTTAGTTGTTTTAAGCCACCA-3'

ClinVar aggregate classification (germline): not provided (0 of 4 stars; one submission).

Allele frequency attached by ClinVar (database versions not stated): gnomAD exomes 0.00001; gnomAD 0.00004 and 0.00005; TOPMed 0.00007.
gnomAD v4.1: 11 of 700,580 alleles (0.0016%); highest among the groups gnomAD compares: African/African-American, 0.016%; no homozygotes.

Submission:

Human Evolutionary Genetics, Institut Pasteur
No classification provided. Review status: no classification provided. Collection method: not provided. Allele origin: germline.
ClinVar note: Converted during submission from untested to not provided.